The following is an entry in ClinVar:

ClinVar aggregate classification (germline): Uncertain significance. Review status: criteria provided, multiple submitters, no conflicts (2 of 4 stars). 3 submissions from 3 submitters: Uncertain significance (3). Last evaluated 2023-08-27.

Conditions:
Epilepsy, familial focal, with variable foci 1 (FFEVF1). Also called: DEPDC5-Related Epilepsy. Identifiers: MedGen C4551983, MONDO:0024556, OMIM 604364.
Familial focal epilepsy with variable foci (FPEVF). Identifiers: Orphanet 98820, MedGen C1858477, MONDO:0020310.

Allele frequency attached by ClinVar (database versions not stated): gnomAD exomes below 0.00001; ExAC 0.00001; gnomAD 0.00001.
gnomAD v4.1: 2 of 1,585,858 alleles (0.00013%); highest among the groups gnomAD compares: East Asian, 0.0022%; no homozygotes.

Submissions (3):

Labcorp Genetics (formerly Invitae), Labcorp
Classification: Uncertain significance for Familial focal epilepsy with variable foci. Last evaluated: 2023-08-27. Review status: criteria provided, single submitter. Criteria: Invitae Variant Classification Sherloc (09022015). Collection method: clinical testing. Allele origin: germline.
Comment: This sequence change replaces proline, which is neutral and non-polar, with leucine, which is neutral and non-polar, at codon 1603 of the DEPDC5 protein (p.Pro1603Leu). This variant is present in population databases (rs755174447, gnomAD 0.006%). This variant has not been reported in the literature in individuals affected with DEPDC5-related conditions. ClinVar contains an entry for this variant (Variation ID: 962861). Experimental studies and prediction algorithms are not available or were not evaluated, and the functional significance of this variant is currently unknown. In summary, the available evidence is currently insufficient to determine the role of this variant in disease. Therefore, it has been classified as a Variant of Uncertain Significance.

Neuberg Centre For Genomic Medicine, NCGM
Classification: Uncertain significance for Epilepsy, familial focal, with variable foci 1. Last evaluated: 2023-03-01. Review status: criteria provided, single submitter. Criteria: ACMG Guidelines, 2015. Collection method: clinical testing. Allele origin: germline. Inheritance: Autosomal dominant inheritance. Affected: yes.
Comment: The missense c.4808C>T (p.Pro1603Leu) variant in DEPDC5 gene has not been reported previously as a pathogenic variant nor as a benign variant, to our knowledge. The p.Pro1603Leu variant has allele frequency 0.0004% in gnomAD Exomes and is novel (not in any individuals) in 1000 Genomes. This variant has been reported to the ClinVar database as Uncertain Significance. The amino acid change p.Pro1603Leu in DEPDC5 is predicted as conserved by GERP++ and PhyloP across 100 vertebrates. The amino acid Pro at position 1603 is changed to a Leu changing protein sequence and it might alter its composition and physico-chemical properties. For these reasons, this variant has been classified as Variant of Uncertain Significance (VUS).

GeneDx
Classification: Uncertain significance. Last evaluated: 2023-02-09. Review status: criteria provided, single submitter. Criteria: GeneDx Variant Classification Process June 2021. Collection method: clinical testing. Allele origin: germline. Affected: yes.
Comment: Not observed at significant frequency in large population cohorts (gnomAD); In silico analysis supports that this missense variant does not alter protein structure/function; Has not been previously published as pathogenic or benign to our knowledge

NM_001242896.3(DEPDC5):c.4808C>T (p.Pro1603Leu)

Gene: DEPDC5 (DEP domain containing 5, GATOR1 subcomplex subunit; plus strand). Cytogenetic location: 22q12.3.
Variant type: single nucleotide variant.
Coding change: c.4808C>T on transcript NM_001242896.3 (MANE Select); coding-DNA position 4808, C replaced by T.
Protein change: p.Pro1603Leu; replaces proline 1603 with leucine.
Molecular consequence: missense variant. On other transcripts: non-coding transcript variant (5).
Genome position (GRCh38, 1-based): chr22:31,906,493, C>T. VCF-style: chr22-31906493-C-T. GRCh37 (hg19) VCF-style: chr22-32302479-C-T.
Other names: c.4781C>T, p.Pro1594Leu (NM_001136029.4); c.4508C>T, p.Pro1503Leu (NM_001242897.2); c.4742C>T, p.Pro1581Leu (NM_001363852.2, NM_001364320.2); c.4574C>T, p.Pro1525Leu (NM_001363854.2, NM_001364319.2); c.4808C>T, p.Pro1603Leu (NM_001364318.2); c.4724C>T, p.Pro1575Leu (NM_001369901.1, NM_001369902.1); c.4715C>T, p.Pro1572Leu (NM_001369903.1, NM_014662.6); short protein forms P1503L, P1525L, P1581L, P1575L, P1572L, P1594L, P1603L.
Identifiers: ClinVar variation 962861 (VCV000962861.11), dbSNP rs755174447, ClinGen allele CA10197336.